The following is an entry in ClinVar:

ClinVar aggregate classification (germline): Uncertain significance (1 of 4 stars; one submission).

Allele frequency attached by ClinVar (database versions not stated): gnomAD exomes below 0.00001 and 0.00001; ExAC 0.00001.
gnomAD v4.1: 4 of 1,614,126 alleles (0.00025%); highest among the groups gnomAD compares: Middle Eastern, 0.016%; no homozygotes.

Submission:

Labcorp Genetics (formerly Invitae), Labcorp
Classification: Uncertain significance. Last evaluated: 2024-10-24. Review status: criteria provided, single submitter. Criteria: Invitae Variant Classification Sherloc (09022015). Collection method: clinical testing. Allele origin: germline.
Comment: This sequence change replaces proline, which is neutral and non-polar, with serine, which is neutral and polar, at codon 321 of the TAB2 protein (p.Pro321Ser). This variant is present in population databases (rs775142540, gnomAD 0.0009%). This variant has not been reported in the literature in individuals affected with TAB2-related conditions. ClinVar contains an entry for this variant (Variation ID: 1490476). Invitae Evidence Modeling of protein sequence and biophysical properties (such as structural, functional, and spatial information, amino acid conservation, physicochemical variation, residue mobility, and thermodynamic stability) indicates that this missense variant is not expected to disrupt TAB2 protein function with a negative predictive value of 80%. In summary, the available evidence is currently insufficient to determine the role of this variant in disease. Therefore, it has been classified as a Variant of Uncertain Significance.

NM_001292034.3(TAB2):c.961C>T (p.Pro321Ser)

Genes: TAB2 (TGF-beta activated kinase 1 (MAP3K7) binding protein 2; plus strand), LOC126859827 (BRD4-independent group 4 enhancer GRCh37_chr6:149699707-149700906; plus strand). Cytogenetic location: 6q25.1.
Variant type: single nucleotide variant.
Coding change: c.961C>T on transcript NM_001292034.3 (MANE Select); coding-DNA position 961, C replaced by T.
Protein change: p.Pro321Ser; replaces proline 321 with serine.
Molecular consequence: missense variant.
Genome position (GRCh38, 1-based): chr6:149,378,876, C>T. VCF-style: chr6-149378876-C-T. GRCh37 (hg19) VCF-style: chr6-149700012-C-T.
Other names: c.865C>T, p.Pro289Ser (NM_001292035.3); c.961C>T, p.Pro321Ser (NM_001369506.1, NM_015093.6); short protein forms P289S, P321S.
Identifiers: ClinVar variation 1490476 (VCV001490476.5), dbSNP rs775142540, ClinGen allele CA4041468.